The following is an entry in ClinVar:

ClinVar aggregate classification (germline): Uncertain significance (1 of 4 stars; one submission).

Conditions:
Complement component 3 deficiency. Identifiers: Orphanet 280133, MedGen C3151071, MONDO:0013417, OMIM 613779.
C3 glomerulonephritis. Also called: Nephropathy due to CFHR5 Deficiency; C3 GLOMERULOPATHY 3. Identifiers: Orphanet 329931, MedGen C4055342, MONDO:0013892, OMIM 614809.
Atypical hemolytic-uremic syndrome. Identifiers: Orphanet 2134, MedGen C2931788, MONDO:0016244.

gnomAD v4.1: 1 of 1,613,932 alleles (0.000062%); highest among the groups gnomAD compares: East Asian, 0.0022%; no homozygotes.

Submission:

Genomenon, Inc
Classification: Uncertain significance for Complement component 3 deficiency; C3 glomerulonephritis; Atypical hemolytic-uremic syndrome. Last evaluated: 2025-09-30. Review status: criteria provided, single submitter. Criteria: Genomenon Sequence Variant Interpretation Standards. Collection method: curation. Allele origin: germline. Affected: no.
Comment: C3 p.Val159Glu (c.476T>A) is a missense variant that changes the amino acid at residue 159 from Valine to Glutamic acid. This variant has been reported in the published literature (PMID:27190382). It is absent or not present at a significant frequency in gnomAD. In conclusion, we classify C3 p.Val159Glu (c.476T>A) as a variant of unknown significance.

Literature cited by the submitters: PubMed 27190382.

NM_000064.4(C3):c.476T>A (p.Val159Glu)

Gene: C3 (complement C3; minus strand). Cytogenetic location: 19p13.3.
Variant type: single nucleotide variant.
Coding change: c.476T>A on transcript NM_000064.4 (MANE Select); coding-DNA position 476, T replaced by A.
Protein change: p.Val159Glu; replaces valine 159 with glutamic acid.
Molecular consequence: missense variant.
Genome position (GRCh38, 1-based): chr19:6,718,122, A>T on the plus strand (T>A on the coding strand, the complement: C3 is on the minus strand). VCF-style: chr19-6718122-A-T. GRCh37 (hg19) VCF-style: chr19-6718133-A-T.
Other names: short protein forms V159E.
Identifiers: ClinVar variation 4280264 (VCV004280264.1).